The following is an entry in ClinVar:

NM_001172303.3(MASTL):c.1703A>C (p.Asn568Thr)

Gene: MASTL (microtubule associated serine/threonine kinase like; plus strand). Cytogenetic location: 10p12.1.
Variant type: single nucleotide variant.
Coding change: c.1703A>C on transcript NM_001172303.3 (MANE Select); coding-DNA position 1703, A replaced by C.
Protein change: p.Asn568Thr; replaces asparagine 568 with threonine.
Molecular consequence: missense variant. On other transcripts: non-coding transcript variant (1).
Genome position (GRCh38, 1-based): chr10:27,170,662, A>C. VCF-style: chr10-27170662-A-C. GRCh37 (hg19) VCF-style: chr10-27459591-A-C.
Other names: c.1703A>C, p.Asn568Thr (NM_001172304.3, NM_001320756.2, NM_001320757.2 and 1 more transcripts); c.1220A>C, p.Asn407Thr (NM_001372029.1, NM_001372030.1); short protein forms N568T, N407T.
Identifiers: ClinVar variation 299796 (VCV000299796.5), dbSNP rs761812157, ClinGen allele CA5450264.

ClinVar aggregate classification (germline): Likely benign (1 of 4 stars; one submission).

Conditions:
Thrombocytopenia. Identifiers: MedGen C0040034, MeSH D013921, MONDO:0002049, HP:0001873.

Allele frequency attached by ClinVar (database versions not stated): TOPMed 0.00002; ExAC 0.00002; gnomAD 0.00001.
gnomAD v4.1: 3 of 1,610,650 alleles (0.00019%); highest among the groups gnomAD compares: Non-Finnish European, 0.00025%; no homozygotes.

Submission:

Illumina Laboratory Services, Illumina
Classification: Likely benign for Thrombocytopenia. Last evaluated: 2018-01-12. Review status: criteria provided, single submitter. Criteria: ICSL Variant Classification Criteria 13 December 2019. Collection method: clinical testing. Allele origin: germline.
Comment: This variant was observed in the ICSL laboratory as part of a predisposition screen in an ostensibly healthy population. It had not been previously curated by ICSL or reported in the Human Gene Mutation Database (HGMD: prior to June 1st, 2018), and was therefore a candidate for classification through an automated scoring system. Utilizing variant allele frequency, disease prevalence and penetrance estimates, and inheritance mode, an automated score was calculated to assess if this variant is too frequent to cause the disease. Based on the score and internal cut-off values, a variant classified as likely benign is not then subjected to further curation. The score for this variant resulted in a classification of likely benign for this disease.